The following is an entry in ClinVar:

NM_000132.4(F8):c.5024A>G (p.Gln1675Arg)

Gene: F8 (coagulation factor VIII; minus strand). Cytogenetic location: Xq28.
Variant type: single nucleotide variant.
Coding change: c.5024A>G on transcript NM_000132.4 (MANE Select); coding-DNA position 5024, A replaced by G.
Protein change: p.Gln1675Arg; replaces glutamine 1675 with arginine.
Molecular consequence: missense variant.
Genome position (GRCh38, 1-based): chrX:154,928,766, T>C on the plus strand (A>G on the coding strand, the complement: F8 is on the minus strand). VCF-style: chrX-154928766-T-C. GRCh37 (hg19) VCF-style: chrX-154157041-T-C.
Other names: short protein forms Q1675R.
Identifiers: ClinVar variation 804138 (VCV000804138.2), dbSNP rs782280813, ClinGen allele CA10568045.

ClinVar aggregate classification (germline): Uncertain significance. Review status: criteria provided, multiple submitters, no conflicts (2 of 4 stars). 2 submissions from 2 submitters: Uncertain significance (2). Last evaluated 2026-07-21.

Conditions:
Hereditary factor VIII deficiency disease (HEMA). Also called: AUTOSOMAL HEMOPHILIA A; HEMOPHILIA, CLASSIC; Hemophilia A, congenital; HEM A; Factor 8 deficiency, congenital; Hemophilia A. Identifiers: Orphanet 98878, MedGen C0019069, MONDO:0010602, OMIM 306700.

Allele frequency attached by ClinVar (database versions not stated): TOPMed 0.00005; ExAC 0.00006; gnomAD 0.00005; gnomAD exomes 0.00005 and 0.00006.

Submissions (2):

Myriad Genetics, Inc.
Classification: Uncertain significance for Hereditary factor VIII deficiency disease. Last evaluated: 2026-07-21. Review status: criteria provided, single submitter. Criteria: Myriad Autosomal Dominant, Autosomal Recessive and X-Linked Classification Criteria (2023). Collection method: clinical testing. Allele origin: unknown.
Comment: NM_000132.3(F8):c.5024A>G(Q1675R) is a missense variant classified as a variant of uncertain significance in the context of hemophilia A. Q1675R has not been observed in cases with relevant disease. Relevant functional assessments of this variant are not available in the literature. Q1675R has been observed in referenced population frequency databases. In summary, there is insufficient evidence to classify NM_000132.3(F8):c.5024A>G(Q1675R) as pathogenic or benign. Please note: this variant was assessed in the context of healthy population screening.

Mendelics
Classification: Uncertain significance for Hereditary factor VIII deficiency disease. Last evaluated: 2019-05-28. Review status: criteria provided, single submitter. Criteria: Mendelics Assertion Criteria 2017. Collection method: clinical testing. Allele origin: unknown.